The following is an entry in ClinVar:

ClinVar aggregate classification (germline): Likely pathogenic (1 of 4 stars; one submission).

Conditions:
Autosomal recessive limb-girdle muscular dystrophy type 2J (LGMDR10). Also called: Limb-girdle muscular dystrophy, type 2J; MUSCULAR DYSTROPHY, LIMB-GIRDLE, AUTOSOMAL RECESSIVE 10. Identifiers: Orphanet 140922, MedGen C1837342, MONDO:0012127, OMIM 608807.
Dilated cardiomyopathy 1G (CMD1G). Identifiers: Orphanet 154, MedGen C1858763, MONDO:0011400, OMIM 604145.

Allele frequency attached by ClinVar (database versions not stated): gnomAD exomes below 0.00001.
gnomAD v4.1: 3 of 1,606,472 alleles (0.00019%); highest among the groups gnomAD compares: Non-Finnish European, 0.00026%; no homozygotes.

Submission:

Labcorp Genetics (formerly Invitae), Labcorp
Classification: Likely pathogenic for Dilated cardiomyopathy 1G; Autosomal recessive limb-girdle muscular dystrophy type 2J. Last evaluated: 2024-10-18. Review status: criteria provided, single submitter. Criteria: Invitae Variant Classification Sherloc (09022015). Collection method: clinical testing. Allele origin: germline.
Comment: This sequence change creates a premature translational stop signal (p.Gln8082*) in the TTN gene. While this is not anticipated to result in nonsense mediated decay, it is expected to create a truncated TTN protein. This variant is not present in population databases (gnomAD no frequency). This variant has not been reported in the literature in individuals affected with TTN-related conditions. ClinVar contains an entry for this variant (Variation ID: 2048602). Algorithms developed to predict the effect of sequence changes on RNA splicing suggest that this variant may disrupt the consensus splice site. This variant is located in the I band of TTN (PMID: 25589632). Truncating variants in this region have been reported in individuals affected with autosomal recessive centronuclear myopathy (PMID: 23975875, internal data). Truncating variants in this region have also been identified in individuals affected with autosomal dominant dilated cardiomyopathy and/or cardio-related conditions (PMID: 27869827, 32964742, internal data). In summary, the currently available evidence indicates that the variant is pathogenic, but additional data are needed to prove that conclusively. Therefore, this variant has been classified as Likely Pathogenic.

Literature cited by the submitters: PubMed 25589632; PubMed 23975875; PubMed 27869827; PubMed 32964742.

NM_001267550.2(TTN):c.24244C>T (p.Gln8082Ter)

Gene: TTN (titin; minus strand). Cytogenetic location: 2q31.2.
Variant type: single nucleotide variant.
Coding change: c.24244C>T on transcript NM_001267550.2 (MANE Select); coding-DNA position 24244, C replaced by T.
Protein change: p.Gln8082Ter; replaces glutamine 8082 with a stop codon.
Molecular consequence: nonsense. On other transcripts: intron variant (3).
Genome position (GRCh38, 1-based): chr2:178,718,956, G>A on the plus strand (C>T on the coding strand, the complement: TTN is on the minus strand). VCF-style: chr2-178718956-G-A. GRCh37 (hg19) VCF-style: chr2-179583683-G-A.
Other names: c.23293C>T, p.Gln7765Ter (NM_001256850.1); c.20512C>T, p.Gln6838Ter (NM_133378.4); c.13282+19126C>T (NM_003319.4); c.13858+19126C>T (NM_133437.4); c.13657+19126C>T (NM_133432.3); short protein forms Q8082*, Q7765*, Q6838*.
Identifiers: ClinVar variation 2048602 (VCV002048602.4), dbSNP rs2529278072, ClinGen allele CA349500275.